The following is an entry in ClinVar:

NM_005247.4(FGF3):c.523T>A (p.Ser175Thr)

Gene: FGF3 (fibroblast growth factor 3; minus strand). Cytogenetic location: 11q13.3.
Variant type: single nucleotide variant.
Coding change: c.523T>A on transcript NM_005247.4 (MANE Select); coding-DNA position 523, T replaced by A.
Protein change: p.Ser175Thr; replaces serine 175 with threonine.
Molecular consequence: missense variant.
Genome position (GRCh38, 1-based): chr11:69,810,502, A>T on the plus strand (T>A on the coding strand, the complement: FGF3 is on the minus strand). VCF-style: chr11-69810502-A-T. GRCh37 (hg19) VCF-style: chr11-69625270-A-T.
Other names: short protein forms S175T.
Identifiers: ClinVar variation 1466163 (VCV001466163.8), dbSNP rs2119904986, ClinGen allele CA381663665.

ClinVar aggregate classification (germline): Uncertain significance (1 of 4 stars; one submission).

Submission:

Labcorp Genetics (formerly Invitae), Labcorp
Classification: Uncertain significance. Last evaluated: 2023-07-10. Review status: criteria provided, single submitter. Criteria: Invitae Variant Classification Sherloc (09022015). Collection method: clinical testing. Allele origin: germline.
Comment: In summary, the available evidence is currently insufficient to determine the role of this variant in disease. Therefore, it has been classified as a Variant of Uncertain Significance. An algorithm developed to predict the effect of missense changes on protein structure and function (PolyPhen-2) suggests that this variant is likely to be disruptive. ClinVar contains an entry for this variant (Variation ID: 1466163). This missense change has been observed in individual(s) with clinical features of deafness with labyrinthine aplasia, microtia, and microdontia (Invitae). This variant is not present in population databases (gnomAD no frequency). This sequence change replaces serine, which is neutral and polar, with threonine, which is neutral and polar, at codon 175 of the FGF3 protein (p.Ser175Thr).